The following is an entry in ClinVar:

NM_000128.4(F11):c.682C>T (p.Arg228Ter)

Gene: F11 (coagulation factor XI; plus strand). Cytogenetic location: 4q35.2.
Variant type: single nucleotide variant.
Coding change: c.682C>T on transcript NM_000128.4 (MANE Select); coding-DNA position 682, C replaced by T.
Protein change: p.Arg228Ter; replaces arginine 228 with a stop codon.
Molecular consequence: nonsense.
Genome position (GRCh38, 1-based): chr4:186,276,317, C>T. VCF-style: chr4-186276317-C-T. GRCh37 (hg19) VCF-style: chr4-187197471-C-T.
Other names: short protein forms R228*.
Identifiers: ClinVar variation 188795 (VCV000188795.19), dbSNP rs752907087, ClinGen allele CA199060.

ClinVar aggregate classification (germline): Pathogenic/Likely pathogenic. Review status: criteria provided, multiple submitters, no conflicts (2 of 4 stars). 6 submissions from 6 submitters: Pathogenic (4); Likely pathogenic (1). 1 of the submissions does not count toward it. Last evaluated 2026-09-09.

Conditions:
F11-related disorder. Also called: F11-related condition.
Plasma factor XI deficiency.
Hereditary factor XI deficiency disease. Also called: Congenital factor XI deficiency; PLASMA THROMBOPLASTIN ANTECEDENT DEFICIENCY; PTA DEFICIENCY; ROSENTHAL SYNDROME. Identifiers: Orphanet 329, MedGen C0015523, MeSH D005173, MONDO:0012897, OMIM 612416.

Allele frequency attached by ClinVar (database versions not stated): TOPMed below 0.00001; ExAC 0.00001; gnomAD exomes 0.00001 and 0.00002.

Submissions (6):

PreventionGenetics, part of Exact Sciences
Classification: Pathogenic for F11-related condition. Last evaluated: 2026-09-09. Review status: criteria provided, single submitter. Criteria: ACMG Guidelines, 2015. Collection method: clinical testing. Allele origin: germline.
Comment: The F11 c.682C>T variant is predicted to result in premature protein termination (p.Arg228*). This variant is alternatively referred to as R210X using legacy nomenclature. This variant was reported in the compound heterozygous state in an individual with factor XI deficiency (Quelin et al. 2004. PubMed ID: 14717969). This variant is reported in 0.0087% of alleles in individuals of Latino descent in gnomAD. Nonsense variants in F11 are expected to be pathogenic. This variant is interpreted as pathogenic.

Revvity Omics, Revvity
Classification: Likely pathogenic for Hereditary factor XI deficiency disease. Last evaluated: 2025-04-17. Review status: criteria provided, single submitter. Criteria: ACMG Guidelines, 2015. Collection method: clinical testing. Allele origin: germline.

Natera, Inc.
Classification: Pathogenic for Plasma factor XI deficiency. Last evaluated: 2024-08-22. Review status: criteria provided, single submitter. Criteria: Natera Variant Classification Schema (03/2026). Collection method: clinical testing. Allele origin: germline.
Comment: The c.682C>T variant in F11 is a nonsense variant predicted to introduce a stop codon at amino acid 228. This variant is expected to result in nonsense mediated decay, truncation, or a dysfunctional protein product. This variant is rare in the general population with a frequency below the threshold expected for the associated phenotype(s). This variant has been observed in one or more individuals affected with the associated recessive disease, as either homozygous or compound heterozygous with a second variant (PMID: 14717969). Given the available evidence, this variant is classified as Pathogenic.

Labcorp Genetics (formerly Invitae), Labcorp
Classification: Pathogenic. Last evaluated: 2023-05-29. Review status: criteria provided, single submitter. Criteria: Invitae Variant Classification Sherloc (09022015). Collection method: clinical testing. Allele origin: germline.
Comment: This sequence change creates a premature translational stop signal (p.Arg228*) in the F11 gene. It is expected to result in an absent or disrupted protein product. Loss-of-function variants in F11 are known to be pathogenic (PMID: 23929304). For these reasons, this variant has been classified as Pathogenic. ClinVar contains an entry for this variant (Variation ID: 188795). This variant is also known as R210X. This premature translational stop signal has been observed in individual(s) with F11-related conditions (PMID: 14717969). This variant is present in population databases (rs752907087, gnomAD 0.009%).

3billion
Classification: Pathogenic for Hereditary factor XI deficiency disease. Last evaluated: 2022-09-01. Review status: criteria provided, single submitter. Criteria: ACMG Guidelines, 2015. Collection method: clinical testing. Allele origin: germline. Affected: yes. Observed: 1 homozygote.
Comment: The variant is observed at an extremely low frequency in the gnomAD v2.1.1 dataset (total allele frequency: 0.002%). Stop-gained (nonsense) is predicted to result in a loss or disruption of normal protein function through nonsense-mediated decay (NMD) or protein truncation. Multiple pathogenic variants are reported downstream of the variant. The variant has been reported at least twice as pathogenic without evidence for the classification (ClinVar ID: VCV000188795 / PMID: 14717969). Therefore, this variant is classified as Pathogenic according to the recommendation of ACMG/AMP guideline.

Counsyl
Classification: Likely pathogenic for Hereditary factor XI deficiency disease. Last evaluated: 2014-05-21. Review status: no assertion criteria provided. Collection method: literature only. Allele origin: unknown. Inheritance: Autosomal recessive inheritance. Not counted in ClinVar's aggregate classification.

Literature cited by the submitters: PubMed 14717969 (cited by 4 submitters); PubMed 23929304 (cited by Labcorp Genetics (formerly Invitae), Labcorp).